The following is an entry in ClinVar:

ClinVar aggregate classification (germline): Uncertain significance (1 of 4 stars; one submission).

Allele frequency attached by ClinVar (database versions not stated): TOPMed 0.00003; gnomAD 0.00005; gnomAD exomes 0.00007; 1000 Genomes Project 30x 0.00016; 1000 Genomes Project 0.00020.
gnomAD v4.1: 39 of 1,363,028 alleles (0.0029%); highest among the groups gnomAD compares: Admixed American, 0.0079%; no homozygotes.

Submission:

Labcorp Genetics (formerly Invitae), Labcorp
Classification: Uncertain significance. Last evaluated: 2022-08-21. Review status: criteria provided, single submitter. Criteria: Invitae Variant Classification Sherloc (09022015). Collection method: clinical testing. Allele origin: germline.
Comment: This sequence change replaces alanine, which is neutral and non-polar, with threonine, which is neutral and polar, at codon 20 of the COL18A1 protein (p.Ala20Thr). The frequency data for this variant in the population databases is considered unreliable, as metrics indicate poor data quality at this position in the gnomAD database. This variant has not been reported in the literature in individuals affected with COL18A1-related conditions. ClinVar contains an entry for this variant (Variation ID: 1447838). Experimental studies and prediction algorithms are not available or were not evaluated, and the functional significance of this variant is currently unknown. In summary, the available evidence is currently insufficient to determine the role of this variant in disease. Therefore, it has been classified as a Variant of Uncertain Significance.

NM_001379500.1(COL18A1):c.58G>A (p.Ala20Thr)

Genes: BNAT1 (breast cancer associated ESR1 regulating natural antisense transcript 1; minus strand), COL18A1 (collagen type XVIII alpha 1 chain; plus strand). Cytogenetic location: 21q22.3.
Variant type: single nucleotide variant.
Coding change: c.58G>A on transcript NM_001379500.1 (MANE Select); coding-DNA position 58, G replaced by A.
Protein change: p.Ala20Thr; replaces alanine 20 with threonine.
Molecular consequence: missense variant.
Genome position (GRCh38, 1-based): chr21:45,405,425, G>A. VCF-style: chr21-45405425-G-A. GRCh37 (hg19) VCF-style: chr21-46825340-G-A.
Other names: short protein forms A20T.
Identifiers: ClinVar variation 1447838 (VCV001447838.3), dbSNP rs543335234, ClinGen allele CA321736774.